The following is an entry in ClinVar:

ClinVar aggregate classification (germline): Uncertain significance (1 of 4 stars; one submission).

Submission:

Ambry Genetics
Classification: Uncertain significance. Last evaluated: 2025-12-18. Review status: criteria provided, single submitter. Criteria: Ambry Variant Classification Scheme 2023. Collection method: clinical testing. Allele origin: germline.
Comment: The p.Q563* variant (also known as c.1687C>T), located in coding exon 8 of the ATRIP gene, results from a C to T substitution at nucleotide position 1687. The evidence for this gene-disease relationship is limited; therefore, the clinical significance of this alteration is unclear.

NM_130384.3(ATRIP):c.1687C>T (p.Gln563Ter)

Genes: ATRIP (ATR interacting protein; plus strand), ATRIP-TREX1 (ATRIP-TREX1 readthrough; plus strand). Cytogenetic location: 3p21.31.
Variant type: single nucleotide variant.
Coding change: c.1687C>T on transcript NM_130384.3 (MANE Select); coding-DNA position 1687, C replaced by T.
Protein change: p.Gln563Ter; replaces glutamine 563 with a stop codon.
Molecular consequence: nonsense. On other transcripts: non-coding transcript variant (1).
Genome position (GRCh38, 1-based): chr3:48,460,741, C>T. VCF-style: chr3-48460741-C-T. GRCh37 (hg19) VCF-style: chr3-48502140-C-T.
Other names: c.1306C>T, p.Gln436Ter (NM_001271022.2); c.1408C>T, p.Gln470Ter (NM_001271023.2); c.1687C>T, p.Gln563Ter (NM_032166.4); short protein forms Q470*, Q436*, Q563*.
Identifiers: ClinVar variation 4842152 (VCV004842152.1).